The following is an entry in ClinVar:

ClinVar aggregate classification (germline): Uncertain significance (1 of 4 stars; one submission).

gnomAD v4.1: 1 of 1,266,942 alleles (0.000079%); highest among the groups gnomAD compares: Middle Eastern, 0.021%; no homozygotes.

Submission:

Labcorp Genetics (formerly Invitae), Labcorp
Classification: Uncertain significance. Last evaluated: 2025-09-28. Review status: criteria provided, single submitter. Criteria: Invitae Variant Classification Sherloc (09022015). Collection method: clinical testing. Allele origin: germline.
Comment: This sequence change replaces glycine, which is neutral and non-polar, with cysteine, which is neutral and slightly polar, at codon 425 of the NFIA protein (p.Gly425Cys). The frequency data for this variant in the population databases is considered unreliable, as metrics indicate poor data quality at this position in the gnomAD database. This variant has not been reported in the literature in individuals affected with NFIA-related conditions. An algorithm developed to predict the effect of missense changes on protein structure and function (PolyPhen-2) suggests that this variant is likely to be disruptive. In summary, the available evidence is currently insufficient to determine the role of this variant in disease. Therefore, it has been classified as a Variant of Uncertain Significance.

NM_001134673.4(NFIA):c.1273G>T (p.Gly425Cys)

Gene: NFIA (nuclear factor I A; plus strand). Cytogenetic location: 1p31.3.
Variant type: single nucleotide variant.
Coding change: c.1273G>T on transcript NM_001134673.4 (MANE Select); coding-DNA position 1273, G replaced by T.
Protein change: p.Gly425Cys; replaces glycine 425 with cysteine.
Molecular consequence: missense variant.
Genome position (GRCh38, 1-based): chr1:61,406,580, G>T. VCF-style: chr1-61406580-G-T. GRCh37 (hg19) VCF-style: chr1-61872252-G-T.
Other names: c.1249G>T, p.Gly417Cys (NM_001145511.2); c.1408G>T, p.Gly470Cys (NM_001145512.2); c.1273G>T, p.Gly425Cys (NM_005595.5); short protein forms G417C, G425C, G470C.
Identifiers: ClinVar variation 4806932 (VCV004806932.1).
Genomic context (GRCh38, chr1:61,406,580, plus strand): 5'-TTTTTCTTGTACGTGTGTTTTCTGCCCCCCCCCCCCCCACAGCCCAATGGGAGCAGCCAA[G>T]GCAAGGTGCACAACCCATTCCTTCCCACCCCAATGTTGCCACCGCCACCGCCACCACCGA-3'
Protein context (NP_001128145.1, residues 415-435): GFLNPNGSSQ[Gly425Cys]KVHNPFLPTP